The following is an entry in ClinVar:

ClinVar aggregate classification (germline): Uncertain significance (1 of 4 stars; one submission).

Conditions:
Inborn genetic diseases. Identifiers: MedGen C0950123, MeSH D030342.

Submission:

Ambry Genetics
Classification: Uncertain significance for Inborn genetic diseases. Last evaluated: 2025-09-17. Review status: criteria provided, single submitter. Criteria: Ambry Variant Classification Scheme 2023. Collection method: clinical testing. Allele origin: germline.
Comment: The p.F480L variant (also known as c.1440C>G), located in coding exon 4 of the SMAD6 gene, results from a C to G substitution at nucleotide position 1440. The phenylalanine at codon 480 is replaced by leucine, an amino acid with highly similar properties. This amino acid position is conserved. In addition, the in silico prediction for this alteration is inconclusive. Based on the available evidence, the clinical significance of this variant remains unclear.

NM_005585.5(SMAD6):c.1440C>G (p.Phe480Leu)

Gene: SMAD6 (SMAD family member 6; plus strand). Cytogenetic location: 15q22.31.
Variant type: single nucleotide variant.
Coding change: c.1440C>G on transcript NM_005585.5 (MANE Select); coding-DNA position 1440, C replaced by G.
Protein change: p.Phe480Leu; replaces phenylalanine 480 with leucine.
Molecular consequence: missense variant. On other transcripts: non-coding transcript variant (1).
Genome position (GRCh38, 1-based): chr15:66,781,484, C>G. VCF-style: chr15-66781484-C-G. GRCh37 (hg19) VCF-style: chr15-67073822-C-G.
Other names: short protein forms F480L.
Identifiers: ClinVar variation 4631596 (VCV004631596.1).